The following is an entry in ClinVar:

ClinVar aggregate classification (germline): Uncertain significance. Review status: criteria provided, multiple submitters, no conflicts (2 of 4 stars). 3 submissions from 3 submitters: Uncertain significance (3). Last evaluated 2025-12-09.

Conditions:
Cardiovascular phenotype. Identifiers: MedGen CN230736.
Hypertrophic cardiomyopathy 1 (CMH1). Also called: MYH7-Related Familial Hypertrophic Cardiomyopathy; Familial hypertrophic cardiomyopathy 1. Identifiers: MedGen C3495498, MONDO:0008647, OMIM 192600.
Sick sinus syndrome 3, susceptibility to (SSS3). Identifiers: Orphanet 166282, MedGen C3279791, MONDO:0013568, OMIM 614090.
Dilated cardiomyopathy 1EE (CMD1EE). Identifiers: Orphanet 154, MedGen C2750466, MONDO:0013198, OMIM 613252.
Hypertrophic cardiomyopathy 14. Identifiers: MedGen C2750467, MONDO:0013197, OMIM 613251.
Atrial septal defect 3 (ASD3). Identifiers: Orphanet 1478, MedGen C3279790, MONDO:0013567, OMIM 614089.

Allele frequency attached by ClinVar (database versions not stated): gnomAD exomes below 0.00001; ExAC 0.00001; gnomAD 0.00001; TOPMed 0.00001.
gnomAD v4.1: 6 of 1,613,962 alleles (0.00037%); highest among the groups gnomAD compares: Non-Finnish European, 0.00042%; no homozygotes.

Submissions (3):

Ambry Genetics
Classification: Uncertain significance for Cardiovascular phenotype. Last evaluated: 2025-12-09. Review status: criteria provided, single submitter. Criteria: Ambry Variant Classification Scheme 2023. Collection method: clinical testing. Allele origin: germline.
Comment: The c.5797-2A>G intronic variant results from an A to G substitution two nucleotides upstream from coding exon 37 in the MYH6 gene. This variant was reported in an individual with hypertrophic cardiomyopathy who also harbored an additional disease-related variant in TNNT2 (Cecconi M et al. Int J Mol Med, 2016 Oct;38:1111-24). This nucleotide position is well conserved in available vertebrate species. In silico splice site analysis predicts that this alteration will weaken the native splice acceptor site. Alterations that disrupt the canonical splice site are expected to cause aberrant splicing, resulting in an abnormal protein or a transcript that is subject to nonsense-mediated mRNA decay. However, loss of function has not been established as a mechanism of disease. Based on the available evidence, the clinical significance of this alteration remains unclear.

Labcorp Genetics (formerly Invitae), Labcorp
Classification: Uncertain significance for Hypertrophic cardiomyopathy 14. Last evaluated: 2024-01-25. Review status: criteria provided, single submitter. Criteria: Invitae Variant Classification Sherloc (09022015). Collection method: clinical testing. Allele origin: germline.
Comment: This sequence change falls in intron 38 of the MYH6 gene. It does not directly change the encoded amino acid sequence of the MYH6 protein. It affects a nucleotide within the consensus splice site. This variant is present in population databases (rs751748384, gnomAD 0.0009%). This variant has been observed in individual(s) with clinical features of hypertrophic cardiomyopathy (PMID: 27600940). ClinVar contains an entry for this variant (Variation ID: 1016822). Variants that disrupt the consensus splice site are a relatively common cause of aberrant splicing (PMID: 17576681, 9536098). Algorithms developed to predict the effect of sequence changes on RNA splicing suggest that this variant may disrupt the consensus splice site. In summary, the available evidence is currently insufficient to determine the role of this variant in disease. Therefore, it has been classified as a Variant of Uncertain Significance.

Fulgent Genetics
Classification: Uncertain significance for Hypertrophic cardiomyopathy 1; Hypertrophic cardiomyopathy 14; Dilated cardiomyopathy 1EE; Atrial septal defect 3; Sick sinus syndrome 3, susceptibility to. Last evaluated: 2021-10-09. Review status: criteria provided, single submitter. Criteria: ACMG Guidelines, 2015. Collection method: clinical testing. Allele origin: unknown.

Literature cited by the submitters: PubMed 27600940 (cited by Ambry Genetics and Labcorp Genetics (formerly Invitae), Labcorp); PubMed 17576681 (cited by Labcorp Genetics (formerly Invitae), Labcorp); PubMed 9536098 (cited by Labcorp Genetics (formerly Invitae), Labcorp).

NM_002471.4(MYH6):c.5797-2A>G

Gene: MYH6 (myosin heavy chain 6; minus strand). Cytogenetic location: 14q11.2.
Variant type: single nucleotide variant.
Coding change: c.5797-2A>G on transcript NM_002471.4 (MANE Select); the canonical splice acceptor site of the intron before coding-DNA position 5797, A replaced by G.
Molecular consequence: splice acceptor variant.
Genome position (GRCh38, 1-based): chr14:23,382,065, T>C on the plus strand (A>G on the coding strand, the complement: MYH6 is on the minus strand). VCF-style: chr14-23382065-T-C. GRCh37 (hg19) VCF-style: chr14-23851274-T-C.
Other names: c.5797-2A>G (NM_002471.3).
Identifiers: ClinVar variation 1016822 (VCV001016822.11), dbSNP rs751748384, ClinGen allele CA7114265.